The following is an entry in ClinVar:

ClinVar aggregate classification (germline): Uncertain significance. Review status: criteria provided, multiple submitters, no conflicts (2 of 4 stars). 2 submissions from 2 submitters: Uncertain significance (2). Last evaluated 2025-04-04.

Conditions:
Inborn genetic diseases. Identifiers: MedGen C0950123, MeSH D030342.

Allele frequency attached by ClinVar (database versions not stated): gnomAD 0.00013; gnomAD exomes 0.00001; TOPMed 0.00014.
gnomAD v4.1: 42 of 1,608,090 alleles (0.0026%); highest among the groups gnomAD compares: African/African-American, 0.045%; no homozygotes.

Submissions (2):

Ambry Genetics
Classification: Uncertain significance for Inborn genetic diseases. Last evaluated: 2025-04-04. Review status: criteria provided, single submitter. Criteria: Ambry Variant Classification Scheme 2023. Collection method: clinical testing. Allele origin: germline.

Labcorp Genetics (formerly Invitae), Labcorp
Classification: Uncertain significance. Last evaluated: 2022-03-26. Review status: criteria provided, single submitter. Criteria: Invitae Variant Classification Sherloc (09022015). Collection method: clinical testing. Allele origin: germline.
Comment: In summary, the available evidence is currently insufficient to determine the role of this variant in disease. Therefore, it has been classified as a Variant of Uncertain Significance. Algorithms developed to predict the effect of missense changes on protein structure and function are either unavailable or do not agree on the potential impact of this missense change (SIFT: "Tolerated"; PolyPhen-2: "Possibly Damaging"; Align-GVGD: "Class C0"). This variant has not been reported in the literature in individuals affected with WDR62-related conditions. This variant is present in population databases (rs751275678, gnomAD 0.01%). This sequence change replaces alanine, which is neutral and non-polar, with serine, which is neutral and polar, at codon 14 of the WDR62 protein (p.Ala14Ser).

NM_001083961.2(WDR62):c.40G>T (p.Ala14Ser)

Gene: WDR62 (WD repeat domain 62; plus strand). Cytogenetic location: 19q13.12.
Variant type: single nucleotide variant.
Coding change: c.40G>T on transcript NM_001083961.2 (MANE Select); coding-DNA position 40, G replaced by T.
Protein change: p.Ala14Ser; replaces alanine 14 with serine.
Molecular consequence: missense variant.
Genome position (GRCh38, 1-based): chr19:36,055,011, G>T. VCF-style: chr19-36055011-G-T. GRCh37 (hg19) VCF-style: chr19-36545913-G-T.
Other names: c.40G>T, p.Ala14Ser (NM_001411145.1, NM_001411146.1, NM_001411147.1 and 1 more transcripts); c.40G>T (NM_001083961.1); short protein forms A14S.
Identifiers: ClinVar variation 1982801 (VCV001982801.3), dbSNP rs751275678, ClinGen allele CA9395119.